The following is an entry in ClinVar:

NM_003289.4(TPM2):c.271C>T (p.Arg91Cys)

Gene: TPM2 (tropomyosin 2; minus strand). Cytogenetic location: 9p13.3.
Variant type: single nucleotide variant.
Coding change: c.271C>T on transcript NM_003289.4 (MANE Select); coding-DNA position 271, C replaced by T.
Protein change: p.Arg91Cys; replaces arginine 91 with cysteine.
Molecular consequence: missense variant.
Genome position (GRCh38, 1-based): chr9:35,685,750, G>A on the plus strand (C>T on the coding strand, the complement: TPM2 is on the minus strand). VCF-style: chr9-35685750-G-A. GRCh37 (hg19) VCF-style: chr9-35685747-G-A.
Other names: c.271C>T, p.Arg91Cys (NM_001301226.2, NM_001301227.2, NM_213674.1); short protein forms R91C.
Identifiers: ClinVar variation 5007444 (VCV005007444.2).
Genomic context (GRCh38, chr9:35,685,750, plus strand): 5'-GCAGGGCTGTAGCCAGGCGCTCCTGGGCCCGGTCCAGCTCCTCCTCAACCAGCTGAATGC[G>A]GCGGTTCAGGGAGGCCACATCTGCCTCAGCCTGTGGGTCAGAGGTCAGGGGTCAAAAAGG-3'
Protein context (NP_003280.2, residues 81-101): AEADVASLNR[Arg91Cys]IQLVEEELDR

ClinVar aggregate classification (germline): Uncertain significance (1 of 4 stars; one submission).

Conditions:
Congenital myopathy 23 (CMYO23). Also called: Nemaline myopathy 4, autosomal dominant; NEMALINE MYOPATHY 4; CAP MYOPATHY 2. Identifiers: MedGen C1836447, MONDO:0012240, OMIM 609285.
Arthrogryposis, distal, type 1A. Also called: ARTHROGRYPOSIS MULTIPLEX CONGENITA, DISTAL, TYPE I. Identifiers: Orphanet 1146, MedGen C6022280, MONDO:0007157, OMIM 108120.

gnomAD v4.1: 2 of 1,614,188 alleles (0.00012%); highest among the groups gnomAD compares: Non-Finnish European, 0.00017%; no homozygotes.

Submission:

Juno Genomics, Hangzhou Juno Genomics, Inc
Classification: Uncertain significance for Congenital myopathy 23; Arthrogryposis, distal, type 1A. Review status: criteria provided, single submitter. Criteria: ACMG Guidelines, 2015. Collection method: clinical testing. Allele origin: germline.
Comment: Absent from controls (or at extremely low frequency if recessive) in Genome Aggregation Database.;Missense variant in a gene that has a low rate of benign missense variation.;Multiple lines of computational evidence support a deleterious effect on the gene or gene product.